The following is an entry in ClinVar:

ClinVar aggregate classification (germline): Likely benign (1 of 4 stars; one submission).

Allele frequency attached by ClinVar (database versions not stated): ESP Exome Variant Server 0.00031.

Submission:

CeGaT Center for Human Genetics Tuebingen
Classification: Likely benign. Last evaluated: 2023-03-01. Review status: criteria provided, single submitter. Criteria: CeGaT Center For Human Genetics Tuebingen Variant Classification Criteria Version 2. Collection method: clinical testing. Allele origin: germline. Affected: yes. Observed: 1 variant allele.
Comment: QRICH2: BP4, BP7

NM_001388453.1(QRICH2):c.2406G>T (p.Val802=)

Gene: QRICH2 (glutamine rich 2; minus strand). Cytogenetic location: 17q25.1.
Variant type: single nucleotide variant.
Coding change: c.2406G>T on transcript NM_001388453.1 (MANE Select); coding-DNA position 2406, G replaced by T.
Protein change: p.Val802=; no amino-acid change (valine 802 retained).
Molecular consequence: synonymous variant.
Genome position (GRCh38, 1-based): chr17:76,292,321, C>A on the plus strand (G>T on the coding strand, the complement: QRICH2 is on the minus strand). VCF-style: chr17-76292321-C-A. GRCh37 (hg19) VCF-style: chr17-74288402-C-A.
Other names: c.2406G>T, p.Val802= (NM_032134.3).
Identifiers: ClinVar variation 2648311 (VCV002648311.24), dbSNP rs112017169, ClinGen allele CA294161505.